The following is an entry in ClinVar:

ClinVar aggregate classification (germline): Pathogenic (1 of 4 stars; one submission).

Conditions:
Niemann-Pick disease, type A. Also called: SPHINGOMYELIN LIPIDOSIS; SPHINGOMYELINASE DEFICIENCY; Infantile Neurovisceral ASMD (Niemann-Pick Disease Type A; NPD-A). Identifiers: Orphanet 77292, MedGen C0268242, MONDO:0009756, OMIM 257200. Disease mechanism: loss of function.
Niemann-Pick disease, type B. Also called: Chronic Visceral ASMD (Niemann-Pick Disease Type B; NPD-B). Identifiers: Orphanet 77293, MedGen C0268243, MONDO:0011871, OMIM 607616. Disease mechanism: loss of function.

Submission:

Labcorp Genetics (formerly Invitae), Labcorp
Classification: Pathogenic for Niemann-Pick disease, type B; Niemann-Pick disease, type A. Last evaluated: 2022-12-16. Review status: criteria provided, single submitter. Criteria: Invitae Variant Classification Sherloc (09022015). Collection method: clinical testing. Allele origin: germline.
Comment: This variant is not present in population databases (gnomAD no frequency). This sequence change creates a premature translational stop signal (p.Arg53Serfs*89) in the SMPD1 gene. It is expected to result in an absent or disrupted protein product. Loss-of-function variants in SMPD1 are known to be pathogenic (PMID: 12369017, 15221801). This variant has not been reported in the literature in individuals affected with SMPD1-related conditions. For these reasons, this variant has been classified as Pathogenic.

Literature cited by the submitters: PubMed 12369017; PubMed 15221801.

NM_000543.5(SMPD1):c.156dup (p.Arg53fs)

Gene: SMPD1 (sphingomyelin phosphodiesterase 1; plus strand). Cytogenetic location: 11p15.4.
Variant type: Duplication.
Coding change: c.156dup on transcript NM_000543.5 (MANE Select); coding-DNA position 156, one base duplicated (T; older notation c.156dupT).
Protein change: p.Arg53fs; shifts the reading frame from arginine 53.
Molecular consequence: frameshift variant. On other transcripts: 5 prime UTR variant (1), non-coding transcript variant (2).
Genome position (GRCh38, 1-based): chr11:6,390,754, T duplicated. VCF-style (leftmost placement, unchanged base first): chr11-6390753-C-CT. GRCh37 (hg19) VCF-style: chr11-6411983-C-CT.
Other names: c.156dup, p.Arg53fs (NM_001007593.3, NM_001318087.2, NM_001365135.2); c.-806dup (NM_001318088.2); short protein forms R53fs.
Identifiers: ClinVar variation 2942373 (VCV002942373.3), dbSNP rs2493800050, ClinGen allele CA2740093597.